The following is an entry in ClinVar:

ClinVar aggregate classification (germline): Pathogenic (1 of 4 stars; one submission).

Conditions:
Recessive dystrophic epidermolysis bullosa (RDEB). Also called: DYSTROPHIC EPIDERMOLYSIS BULLOSA, AUTOSOMAL RECESSIVE; EPIDERMOLYSIS BULLOSA DYSTROPHICA, HALLOPEAU-SIEMENS TYPE; Hallopeau-Siemens Disease; severe generalized recessive dystrophic epidermolysis bullosa; EPIDERMOLYSIS BULLOSA DYSTROPHICA, GENERALIZED SEVERE, AUTOSOMAL RECESSIVE; Epidermolysis Bullosa Distrophica Autosomal Recessive (RDEB). Identifiers: Orphanet 79408, Orphanet 79409, MedGen C0079474, MONDO:0009179, OMIM 226600.

Submission:

Myriad Genetics, Inc.
Classification: Pathogenic for Recessive dystrophic epidermolysis bullosa. Last evaluated: 2026-03-22. Review status: criteria provided, single submitter. Criteria: Myriad Autosomal Dominant, Autosomal Recessive and X-Linked Classification Criteria (2023). Collection method: clinical testing. Allele origin: unknown.
Comment: NM_000094.3(COL7A1):c.6211G>T(E2071*) is expected to be pathogenic in the context of dystrophic epidermolysis bullosa. This variant is predicted to lead to an abnormal or absent protein product due to the creation of a premature termination codon in COL7A1, a gene where loss-of-function variants are known to be pathogenic. Please note: this variant was assessed in the context of healthy population screening.

NM_000094.4(COL7A1):c.6211G>T (p.Glu2071Ter)

Gene: COL7A1 (collagen type VII alpha 1 chain; minus strand). Cytogenetic location: 3p21.31.
Variant type: single nucleotide variant.
Coding change: c.6211G>T on transcript NM_000094.4 (MANE Select); coding-DNA position 6211, G replaced by T.
Protein change: p.Glu2071Ter; replaces glutamic acid 2071 with a stop codon.
Molecular consequence: nonsense.
Genome position (GRCh38, 1-based): chr3:48,575,212, C>A on the plus strand (G>T on the coding strand, the complement: COL7A1 is on the minus strand). VCF-style: chr3-48575212-C-A. GRCh37 (hg19) VCF-style: chr3-48612645-C-A.
Other names: short protein forms E2071*.
Identifiers: ClinVar variation 5015711 (VCV005015711.1).